The following is an entry in ClinVar:

ClinVar aggregate classification (germline): Uncertain significance (1 of 4 stars; one submission).

Conditions:
Myoclonic epilepsy, juvenile, susceptibility to, 1. Also called: Myoclonic Epilepsy, Juvenile, 1; EJM1. Identifiers: MedGen C1850778, MONDO:0020752, OMIM 254770.
Absence seizure. Also called: Absence epilepsy. Identifiers: Orphanet 1941, MedGen C0014553.

Submission:

Labcorp Genetics (formerly Invitae), Labcorp
Classification: Uncertain significance for Myoclonic epilepsy, juvenile, susceptibility to, 1; Absence seizure. Last evaluated: 2016-11-19. Review status: criteria provided, single submitter. Criteria: Invitae Variant Classification Sherloc (09022015). Collection method: clinical testing. Allele origin: germline.
Comment: The frequency data for this variant (rs754483740) in the population databases is unreliable, as metrics indicate poor quality at this position in the ExAC database. This variant has not been reported in the literature in an individual with a EFHC1-related disease. The current clinical and genetic evidence is not sufficient to establish whether loss-of-function variants in EFHC1 cause disease. Therefore, this variant has been classified as a Variant of Uncertain Significance. This sequence change inserts 1 nucleotide in exon 7 of the EFHC1 mRNA (c.1221dupA), causing a frameshift at codon 408. This creates a premature translational stop signal (p.Asp408Argfs*4) and is expected to result in an absent or disrupted protein product.

NM_018100.4(EFHC1):c.1221dup (p.Asp408fs)

Gene: EFHC1 (EF-hand domain containing 1; plus strand). Cytogenetic location: 6p12.2.
Variant type: Duplication.
Coding change: c.1221dup on transcript NM_018100.4 (MANE Select); coding-DNA position 1221, one base duplicated (A; older notation c.1221dupA).
Protein change: p.Asp408fs; shifts the reading frame from aspartic acid 408.
Molecular consequence: frameshift variant. On other transcripts: non-coding transcript variant (1).
Genome position (GRCh38, 1-based): chr6:52,469,416, A duplicated; the last of 7 consecutive A bases (chr6:52,469,410-52,469,416); duplicating any one gives the same sequence. VCF-style (leftmost placement, unchanged base first): chr6-52469409-C-CA. GRCh37 (hg19) VCF-style: chr6-52334207-C-CA.
Other names: c.1164dup, p.Asp389fs (NM_001172420.2); short protein forms D389fs, D408fs.
Identifiers: ClinVar variation 411571 (VCV000411571.10), dbSNP rs754483740, ClinGen allele CA3856016.
Genomic context (GRCh38, chr6:52,469,409, plus strand): 5'-ACGGTTTTGGACTAGTGGAAGATTCTGCTCAGAATTGTTTTGCTCTCATTCCAAAAGCTC[C>CA]AAAAAAAGACGTTATTAAAATGCTGGTGAATGATAACAAGGTGCTTCGTTATTTGGCTGT-3'